The following is an entry in ClinVar:

ClinVar aggregate classification (germline): Benign (1 of 4 stars; one submission).

Allele frequency attached by ClinVar (database versions not stated): gnomAD 0.25794 and 0.26413; TOPMed 0.28248; 1000 Genomes Project 0.31450; 1000 Genomes Project 30x 0.32402.

Submission:

GeneDx
Classification: Benign. Last evaluated: 2018-06-19. Review status: criteria provided, single submitter. Criteria: GeneDx Variant Classification (06012015). Collection method: clinical testing. Allele origin: germline. Affected: yes.
Comment: This variant is considered likely benign or benign based on one or more of the following criteria: it is a conservative change, it occurs at a poorly conserved position in the protein, it is predicted to be benign by multiple in silico algorithms, and/or has population frequency not consistent with disease.

NM_001457.4(FLNB):c.293-263G>A

Gene: FLNB (filamin B; plus strand). Cytogenetic location: 3p14.3.
Variant type: single nucleotide variant.
Coding change: c.293-263G>A on transcript NM_001457.4 (MANE Select); 263 bases into the intron before coding-DNA position 293, G replaced by A.
Molecular consequence: intron variant.
Genome position (GRCh38, 1-based): chr3:58,076,783, G>A. VCF-style: chr3-58076783-G-A. GRCh37 (hg19) VCF-style: chr3-58062510-G-A.
Other names: c.293-263G>A (NM_001164317.2, NM_001164318.2, NM_001164319.2).
Identifiers: ClinVar variation 671904 (VCV000671904.1), dbSNP rs6805521, ClinGen allele CA11473656.